The following is an entry in ClinVar:

ClinVar aggregate classification (germline): Uncertain significance. Review status: criteria provided, multiple submitters, no conflicts (2 of 4 stars). 3 submissions from 3 submitters: Uncertain significance (3). Last evaluated 2025-08-09.

Conditions:
Inborn genetic diseases. Identifiers: MedGen C0950123, MeSH D030342.

Allele frequency attached by ClinVar (database versions not stated): gnomAD exomes 0.00002; ExAC 0.00003; gnomAD 0.00003; ESP Exome Variant Server 0.00008.
gnomAD v4.1: 38 of 1,613,772 alleles (0.0024%); highest among the groups gnomAD compares: Admixed American, 0.0083%; no homozygotes.

Submissions (3):

Ambry Genetics
Classification: Uncertain significance for Inborn genetic diseases. Last evaluated: 2025-08-09. Review status: criteria provided, single submitter. Criteria: Ambry Variant Classification Scheme 2023. Collection method: clinical testing. Allele origin: germline.

Labcorp Genetics (formerly Invitae), Labcorp
Classification: Uncertain significance. Last evaluated: 2024-02-17. Review status: criteria provided, single submitter. Criteria: Invitae Variant Classification Sherloc (09022015). Collection method: clinical testing. Allele origin: germline.
Comment: This sequence change replaces arginine, which is basic and polar, with tryptophan, which is neutral and slightly polar, at codon 187 of the PDGFB protein (p.Arg187Trp). This variant is present in population databases (rs139111221, gnomAD 0.01%). This variant has not been reported in the literature in individuals affected with PDGFB-related conditions. ClinVar contains an entry for this variant (Variation ID: 2189522). Advanced modeling of protein sequence and biophysical properties (such as structural, functional, and spatial information, amino acid conservation, physicochemical variation, residue mobility, and thermodynamic stability) performed at Invitae indicates that this missense variant is not expected to disrupt PDGFB protein function with a negative predictive value of 80%. In summary, the available evidence is currently insufficient to determine the role of this variant in disease. Therefore, it has been classified as a Variant of Uncertain Significance.

GeneDx
Classification: Uncertain significance. Last evaluated: 2022-08-29. Review status: criteria provided, single submitter. Criteria: GeneDx Variant Classification Process June 2021. Collection method: clinical testing. Allele origin: germline. Affected: yes.
Comment: In silico analysis supports that this missense variant has a deleterious effect on protein structure/function; Has not been previously published as pathogenic or benign to our knowledge

NM_002608.4(PDGFB):c.559C>T (p.Arg187Trp)

Gene: PDGFB (platelet derived growth factor subunit B; minus strand). Cytogenetic location: 22q13.1.
Variant type: single nucleotide variant.
Coding change: c.559C>T on transcript NM_002608.4 (MANE Select); coding-DNA position 559, C replaced by T.
Protein change: p.Arg187Trp; replaces arginine 187 with tryptophan.
Molecular consequence: missense variant.
Genome position (GRCh38, 1-based): chr22:39,230,126, G>A on the plus strand (C>T on the coding strand, the complement: PDGFB is on the minus strand). VCF-style: chr22-39230126-G-A. GRCh37 (hg19) VCF-style: chr22-39626131-G-A.
Other names: c.514C>T, p.Arg172Trp (NM_033016.3); c.559C>T (NM_002608.2); short protein forms R187W, R172W.
Identifiers: ClinVar variation 2189522 (VCV002189522.7), dbSNP rs139111221, ClinGen allele CA10240075.
Genomic context (GRCh38, chr22:39,230,126, plus strand): 5'-GCCTGGAAAGGTGGTTACCTCGCTGCTCCTGGGAACCCCCCGGGCTTCGGGTCACAGGCC[G>A]TGCAGCTGCCACTGTCTCACACTTGCATGCCAGGTGGTCTTCCAGCGTCACCGTGGCCTT-3'
Protein context (NP_002599.1, residues 177-197): ACKCETVAAA[Arg187Trp]PVTRSPGGSQ